The following is an entry in ClinVar:

ClinVar aggregate classification (germline): Uncertain significance. Review status: criteria provided, multiple submitters, no conflicts (2 of 4 stars). 2 submissions from 2 submitters: Uncertain significance (2). Last evaluated 2024-11-11.

Submissions (2):

Labcorp Genetics (formerly Invitae), Labcorp
Classification: Uncertain significance. Last evaluated: 2024-11-11. Review status: criteria provided, single submitter. Criteria: Invitae Variant Classification Sherloc (09022015). Collection method: clinical testing. Allele origin: germline.
Comment: This sequence change replaces glutamic acid, which is acidic and polar, with lysine, which is basic and polar, at codon 61 of the TTLL5 protein (p.Glu61Lys). This variant also falls at the last nucleotide of exon 3, which is part of the consensus splice site for this exon. This variant is not present in population databases (gnomAD no frequency). This variant has not been reported in the literature in individuals affected with TTLL5-related conditions. ClinVar contains an entry for this variant (Variation ID: 1369685). An algorithm developed to predict the effect of missense changes on protein structure and function (PolyPhen-2) suggests that this variant is likely to be tolerated. Variants that disrupt the consensus splice site are a relatively common cause of aberrant splicing (PMID: 17576681, 9536098). Algorithms developed to predict the effect of sequence changes on RNA splicing suggest that this variant may disrupt the consensus splice site. In summary, the available evidence is currently insufficient to determine the role of this variant in disease. Therefore, it has been classified as a Variant of Uncertain Significance.

Blueprint Genetics
Classification: Uncertain significance. Last evaluated: 2018-10-16. Review status: criteria provided, single submitter. Criteria: ACMG Guidelines, 2015. Collection method: clinical testing. Allele origin: germline.

Literature cited by the submitters: PubMed 17576681 (cited by Labcorp Genetics (formerly Invitae), Labcorp); PubMed 9536098 (cited by Labcorp Genetics (formerly Invitae), Labcorp).

NM_015072.5(TTLL5):c.181G>A (p.Glu61Lys)

Gene: TTLL5 (tubulin tyrosine ligase like 5; plus strand). Cytogenetic location: 14q24.3.
Variant type: single nucleotide variant.
Coding change: c.181G>A on transcript NM_015072.5 (MANE Select); coding-DNA position 181, G replaced by A.
Protein change: p.Glu61Lys; replaces glutamic acid 61 with lysine.
Molecular consequence: missense variant.
Genome position (GRCh38, 1-based): chr14:75,669,522, G>A. VCF-style: chr14-75669522-G-A. GRCh37 (hg19) VCF-style: chr14-76135865-G-A.
Other names: short protein forms E61K.
Identifiers: ClinVar variation 1369685 (VCV001369685.7), dbSNP rs2140090695, ClinGen allele CA390465874.
Genomic context (GRCh38, chr14:75,669,522, plus strand): 5'-GTTTTGGTATTCCATGCCGACGCTATTCTTACAAAGGACAACAATATTAGAGTAATTGGA[G>A]GTGCGTATAACCTCTCCCACAGAGGACGGAGCTGGGCATGGCCCAGACGTCCTTGTCTTA-3'
Protein context (NP_055887.3, residues 51-71): TKDNNIRVIG[Glu61Lys]RYHLSYKIVR